The following is an entry in ClinVar:

NM_001303457.2(TTI1):c.3175C>A (p.His1059Asn)

Gene: TTI1 (TELO2 interacting protein 1; minus strand). Cytogenetic location: 20q11.23.
Variant type: single nucleotide variant.
Coding change: c.3175C>A on transcript NM_001303457.2 (MANE Select); coding-DNA position 3175, C replaced by A.
Protein change: p.His1059Asn; replaces histidine 1059 with asparagine.
Molecular consequence: missense variant.
Genome position (GRCh38, 1-based): chr20:37,983,551, G>T on the plus strand (C>A on the coding strand, the complement: TTI1 is on the minus strand). VCF-style: chr20-37983551-G-T. GRCh37 (hg19) VCF-style: chr20-36611953-G-T.
Other names: c.3175C>A, p.His1059Asn (NM_014657.3); short protein forms H1059N.
Identifiers: ClinVar variation 3368700 (VCV003368700.1).

ClinVar aggregate classification (germline): Uncertain significance (1 of 4 stars; one submission).

Submission:

GeneDx
Classification: Uncertain significance. Last evaluated: 2024-02-07. Review status: criteria provided, single submitter. Criteria: GeneDx Variant Classification Process June 2021. Collection method: clinical testing. Allele origin: germline. Affected: yes.
Comment: Not observed at significant frequency in large population cohorts (gnomAD); In silico analysis supports that this missense variant does not alter protein structure/function; Has not been previously published as pathogenic or benign to our knowledge